The following is an entry in ClinVar:

ClinVar aggregate classification (germline): Uncertain significance (1 of 4 stars; one submission).

Conditions:
Cystic fibrosis (CF). Also called: MUCOVISCIDOSIS. Identifiers: Orphanet 586, MedGen C0010674, MONDO:0009061, OMIM 219700. Disease mechanism: loss of function.

gnomAD v4.1: 1 of 1,613,878 alleles (0.000062%); highest among the groups gnomAD compares: Non-Finnish European, 0.000085%; no homozygotes.

Submission:

Ambry Genetics
Classification: Uncertain significance for Cystic fibrosis. Last evaluated: 2025-04-13. Review status: criteria provided, single submitter. Criteria: Ambry Variant Classification Scheme 2023. Collection method: clinical testing. Allele origin: germline.
Comment: The p.N965D variant (also known as c.2893A>G), located in coding exon 17 of the CFTR gene, results from an A to G substitution at nucleotide position 2893. The asparagine at codon 965 is replaced by aspartic acid, an amino acid with highly similar properties. This amino acid position is conserved. In addition, the in silico prediction for this alteration is inconclusive. Based on the available evidence, the clinical significance of this variant remains unclear.

NM_000492.4(CFTR):c.2893A>G (p.Asn965Asp)

Gene: CFTR (CF transmembrane conductance regulator; plus strand). Cytogenetic location: 7q31.2.
Variant type: single nucleotide variant.
Coding change: c.2893A>G on transcript NM_000492.4 (MANE Select); coding-DNA position 2893, A replaced by G.
Protein change: p.Asn965Asp; replaces asparagine 965 with aspartic acid.
Molecular consequence: missense variant.
Genome position (GRCh38, 1-based): chr7:117,603,767, A>G. VCF-style: chr7-117603767-A-G. GRCh37 (hg19) VCF-style: chr7-117243821-A-G.
Other names: short protein forms N965D.
Identifiers: ClinVar variation 4001804 (VCV004001804.1).